The following is an entry in ClinVar:

NC_000005.10:g.112850822G>A

Variant type: single nucleotide variant.
Genome position: GRCh38 VCF-style: chr5-112850822-G-A. GRCh37 (hg19) VCF-style: chr5-112186519-G-A.
Identifiers: ClinVar variation 82658 (VCV000082658.3), dbSNP rs76350436, ClinGen allele CA250798.

ClinVar aggregate classification (germline): other (0 of 4 stars; one submission).

Conditions:
Familial colorectal cancer. Identifiers: MedGen CN280943, MONDO:0023113. Disease mechanism: loss of function.

Submission:

Systems Biology Platform Zhejiang California International NanoSystems Institute
Classification: other for Familial colorectal cancer. Review status: no assertion criteria provided. Collection method: not provided. Allele origin: unknown.
ClinVar note: Converted during submission from cancer to other.